The following is an entry in ClinVar:

NM_000075.4(CDK4):c.632A>T (p.Lys211Met)

Gene: CDK4 (cyclin dependent kinase 4; minus strand). Cytogenetic location: 12q14.1.
Variant type: single nucleotide variant.
Coding change: c.632A>T on transcript NM_000075.4 (MANE Select); coding-DNA position 632, A replaced by T.
Protein change: p.Lys211Met; replaces lysine 211 with methionine.
Molecular consequence: missense variant.
Genome position (GRCh38, 1-based): chr12:57,750,656, T>A on the plus strand (A>T on the coding strand, the complement: CDK4 is on the minus strand). VCF-style: chr12-57750656-T-A. GRCh37 (hg19) VCF-style: chr12-58144439-T-A.
Other names: short protein forms K211M.
Identifiers: ClinVar variation 826327 (VCV000826327.4), dbSNP rs765656720, ClinGen allele CA385545510.

ClinVar aggregate classification (germline): Uncertain significance (1 of 4 stars; one submission).

Conditions:
Hereditary cancer-predisposing syndrome. Also called: Neoplastic Syndromes, Hereditary; Tumor predisposition; Hereditary neoplastic syndrome; Hereditary Cancer Syndrome. Identifiers: Orphanet 140162, MedGen C0027672, MeSH D009386, MONDO:0015356.

Submission:

Ambry Genetics
Classification: Uncertain significance for Hereditary cancer-predisposing syndrome. Last evaluated: 2019-03-18. Review status: criteria provided, single submitter. Criteria: Ambry Variant Classification Scheme 2023. Collection method: clinical testing. Allele origin: germline.
Comment: The p.K211M variant (also known as c.632A>T), located in coding exon 4 of the CDK4 gene, results from an A to T substitution at nucleotide position 632. The amino acid change results in lysine to methionine at codon 211, an amino acid with similar properties. However, this change occurs in the last base pair of coding exon 4, which makes it likely to have some effect on normal mRNA splicing. This amino acid position is highly conserved in available vertebrate species. In addition, the in silico prediction for this alteration is inconclusive. Since supporting evidence is limited at this time, the clinical significance of this alteration remains unclear.